The following is an entry in ClinVar:

ClinVar aggregate classification (germline): Uncertain significance. Review status: criteria provided, multiple submitters, no conflicts (2 of 4 stars). 4 submissions from 4 submitters: Uncertain significance (3). 1 of the submissions does not count toward it. Last evaluated 2025-07-11.

Conditions:
Autosomal recessive limb-girdle muscular dystrophy type 2B (LGMDR2). Also called: Limb-Girdle Muscular Dystrophy Type 2B (LGMD2B); MUSCULAR DYSTROPHY, LIMB-GIRDLE, TYPE 3; Limb-girdle muscular dystrophy, type 2B; MUSCULAR DYSTROPHY, LIMB-GIRDLE, AUTOSOMAL RECESSIVE 2. Identifiers: Orphanet 268, MedGen C1850889, MONDO:0009676, OMIM 253601.
Neuromuscular disease caused by qualitative or quantitative defects of dysferlin. Also called: Dysferlinopathy; Qualitative or quantitative defects of dysferlin. Identifiers: Orphanet 207073, MedGen C2931687, MONDO:0016145.

Allele frequency attached by ClinVar (database versions not stated): ExAC 0.00002; 1000 Genomes Project 30x 0.00016; 1000 Genomes Project 0.00020.
gnomAD v4.1: 36 of 1,613,984 alleles (0.0022%); highest among the groups gnomAD compares: Admixed American, 0.01%; no homozygotes.

Submissions (4):

Revvity Omics, Revvity
Classification: Uncertain significance. Last evaluated: 2025-07-11. Review status: criteria provided, single submitter. Criteria: ACMG Guidelines, 2015. Collection method: clinical testing. Allele origin: germline.

Labcorp Genetics (formerly Invitae), Labcorp
Classification: Uncertain significance for Neuromuscular disease caused by qualitative or quantitative defects of dysferlin. Last evaluated: 2022-05-27. Review status: criteria provided, single submitter. Criteria: Invitae Variant Classification Sherloc (09022015). Collection method: clinical testing. Allele origin: germline.
Comment: This sequence change replaces glycine, which is neutral and non-polar, with serine, which is neutral and polar, at codon 1118 of the DYSF protein (p.Gly1118Ser). This variant is present in population databases (rs202000264, gnomAD 0.01%). This variant has not been reported in the literature in individuals affected with DYSF-related conditions. Advanced modeling of protein sequence and biophysical properties (such as structural, functional, and spatial information, amino acid conservation, physicochemical variation, residue mobility, and thermodynamic stability) performed at Invitae indicates that this missense variant is not expected to disrupt DYSF protein function. Algorithms developed to predict the effect of sequence changes on RNA splicing suggest that this variant may create or strengthen a splice site. In summary, the available evidence is currently insufficient to determine the role of this variant in disease. Therefore, it has been classified as a Variant of Uncertain Significance.

Breakthrough Genomics
Classification: Uncertain significance. Review status: criteria provided, single submitter. Criteria: ACMG Guidelines, 2015. Collection method: not provided. Allele origin: germline. Inheritance: Autosomal recessive inheritance. Affected: yes.

Neuropathology Laboratory of Hebei Province, The Second Hospital of Hebei Medical University
Classification: Pathogenic for Autosomal recessive limb-girdle muscular dystrophy type 2B. Review status: no assertion criteria provided. Collection method: clinical testing. Allele origin: paternal. Affected: yes. Not counted in ClinVar's aggregate classification.

NM_001130987.2(DYSF):c.3406G>A (p.Gly1136Ser)

Gene: DYSF (dysferlin; plus strand). Cytogenetic location: 2p13.2.
Variant type: single nucleotide variant.
Coding change: c.3406G>A on transcript NM_001130987.2 (MANE Select); coding-DNA position 3406, G replaced by A.
Protein change: p.Gly1136Ser; replaces glycine 1136 with serine.
Molecular consequence: missense variant.
Genome position (GRCh38, 1-based): chr2:71,589,596, G>A. VCF-style: chr2-71589596-G-A. GRCh37 (hg19) VCF-style: chr2-71816726-G-A.
Other names: c.3355G>A, p.Gly1119Ser (NM_001130455.2, NM_001130983.2); c.3310G>A, p.Gly1104Ser (NM_001130976.2, NM_001130977.2); c.3352G>A, p.Gly1118Ser (NM_001130978.2, NM_003494.4); c.3445G>A, p.Gly1149Ser (NM_001130979.2); c.3403G>A, p.Gly1135Ser (NM_001130980.2, NM_001130981.2); c.3448G>A, p.Gly1150Ser (NM_001130982.2); c.3313G>A, p.Gly1105Ser (NM_001130984.2, NM_001130986.2); c.3406G>A, p.Gly1136Ser (NM_001130985.2); short protein forms G1119S, G1135S, G1149S, G1150S, G1104S, G1118S, G1105S, G1136S.
Identifiers: ClinVar variation 1475934 (VCV001475934.8), dbSNP rs202000264, ClinGen allele CA1706553.